The following is an entry in ClinVar:

ClinVar aggregate classification (germline): Pathogenic (1 of 4 stars; one submission).

Submission:

Labcorp Genetics (formerly Invitae), Labcorp
Classification: Pathogenic. Last evaluated: 2024-10-20. Review status: criteria provided, single submitter. Criteria: Invitae Variant Classification Sherloc (09022015). Collection method: clinical testing. Allele origin: germline.
Comment: This sequence change creates a premature translational stop signal (p.Thr439Leufs*9) in the FRYL gene. It is expected to result in an absent or disrupted protein product. Loss-of-function variants in FRYL are known to be pathogenic (PMID: 38479391). This variant is not present in population databases (gnomAD no frequency). This variant has not been reported in the literature in individuals affected with FRYL-related conditions. For these reasons, this variant has been classified as Pathogenic.

Literature cited by the submitters: PubMed 38479391.

NM_015030.2(FRYL):c.1311del (p.Thr439fs)

Gene: FRYL (FRY like transcription coactivator; minus strand). Cytogenetic location: 4p11.
Variant type: Deletion.
Coding change: c.1311del on transcript NM_015030.2 (MANE Select); coding-DNA position 1311, one base deleted (T; older notation c.1311delT).
Protein change: p.Thr439fs; shifts the reading frame from threonine 439.
Molecular consequence: frameshift variant.
Genome position (GRCh38, 1-based): chr4:48,593,954, A deleted on the plus strand (T on the coding strand, the reverse complement: FRYL is on the minus strand). VCF-style (leftmost placement, unchanged base first): chr4-48593953-TA-T. GRCh37 (hg19) VCF-style: chr4-48595970-TA-T.
Other names: short protein forms T439fs.
Identifiers: ClinVar variation 3689517 (VCV003689517.2).